The following is an entry in ClinVar:

ClinVar aggregate classification (germline): Conflicting classifications of pathogenicity. Review status: criteria provided, conflicting classifications (1 of 4 stars). 3 submissions from 3 submitters: Likely pathogenic (1); Uncertain significance (1). 1 of the submissions does not count toward it. Last evaluated 2023-03-27.

Conditions:
Hereditary cancer-predisposing syndrome. Also called: Hereditary Cancer Syndrome; Hereditary neoplastic syndrome; Tumor predisposition; Neoplastic Syndromes, Hereditary. Identifiers: Orphanet 140162, MedGen C0027672, MeSH D009386, MONDO:0015356.
Lynch syndrome 5 (LYNCH5). Also called: Hereditary non-polyposis colorectal cancer, type 5; Colorectal cancer, hereditary nonpolyposis, type 5. Identifiers: Orphanet 144, MedGen C1833477, MONDO:0013710, OMIM 614350. Disease mechanism: loss of function.

Submissions (3):

Myriad Genetics, Inc.
Classification: Uncertain significance for Lynch syndrome 5. Last evaluated: 2023-03-27. Review status: criteria provided, single submitter. Criteria: Myriad Autosomal Dominant, Autosomal Recessive and X-Linked Classification Criteria (2023). Collection method: clinical testing. Allele origin: unknown.
Comment: This variant is classified as a variant of uncertain significance as there is insufficient evidence to determine its impact on protein function and/or cancer risk.

Ambry Genetics
Classification: Likely pathogenic for Hereditary cancer-predisposing syndrome. Last evaluated: 2022-11-18. Review status: criteria provided, single submitter. Criteria: Ambry Variant Classification Scheme 2023. Collection method: clinical testing. Allele origin: germline.
Comment: The p.A1236P variant (also known as c.3706G>C), located in coding exon 8 of the MSH6 gene, results from a G to C substitution at nucleotide position 3706. The alanine at codon 1236 is replaced by proline, an amino acid with highly similar properties. This variant has been identified in a proband who met Amsterdam II criteria for Lynch syndrome and tumor demonstrated high microsatellite instability with loss of MSH6 expression by immunohistochemistry (Pastrello C et al. Genet Med, 2011 Feb;13:115-24). In addition, this variant has been identified in at least one proband whose Lynch syndrome-associated tumor demonstrated loss of MSH6 expression by immunohistochemistry (Ambry internal data). However, this variant has also been identified in a proband whose late-onset Lynch syndrome-associated tumor demonstrated high microsatellite instability and loss of MLH1/PMS2 expression by immunohistochemistry (Grandval P et al. Database (Oxford), 2013 May;2013:bat036). Based on internal structural analysis, p.A1236P is moderately destabilizing to the local structure (Ambry internal data). This amino acid position is well conserved in available vertebrate species. In addition, this alteration is predicted to be deleterious by in silico analysis. This variant is considered to be rare based on population cohorts in the Genome Aggregation Database (gnomAD). Based on the majority of available evidence to date, this variant is likely to be pathogenic.

Counsyl
Classification: Uncertain significance for Lynch syndrome 5. Last evaluated: 2017-05-24. Review status: no assertion criteria provided. Collection method: clinical testing. Allele origin: unknown. Not counted in ClinVar's aggregate classification.

Literature cited by the submitters: PubMed 21239990 (cited by Ambry Genetics and Counsyl); PubMed 23729658 (cited by Ambry Genetics); PubMed 23621914 (cited by Counsyl).

NM_000179.3(MSH6):c.3706G>C (p.Ala1236Pro)

Gene: MSH6 (mutS homolog 6; plus strand). Cytogenetic location: 2p16.3.
Variant type: single nucleotide variant.
Coding change: c.3706G>C on transcript NM_000179.3 (MANE Select); coding-DNA position 3706, G replaced by C.
Protein change: p.Ala1236Pro; replaces alanine 1236 with proline.
Molecular consequence: missense variant.
Genome position (GRCh38, 1-based): chr2:47,806,263, G>C. VCF-style: chr2-47806263-G-C. GRCh37 (hg19) VCF-style: chr2-48033402-G-C.
Other names: c.3316G>C, p.Ala1106Pro (NM_001281492.2); c.2800G>C, p.Ala934Pro (NM_001281493.2, NM_001281494.2); short protein forms A1236P, A1106P, A934P.
Identifiers: ClinVar variation 548746 (VCV000548746.5), dbSNP rs1553333039, ClinGen allele CA346760990.
Genomic context (GRCh38, chr2:47,806,263, plus strand): 5'-GGAAGAGGTACTGCAACATTTGATGGGACGGCAATAGCAAATGCAGTTGTTAAAGAACTT[G>C]CTGAGACTATAAAATGTCGTACATTATTTTCAACTCACTACCATTCATTAGTAGAAGATT-3'
Protein context (NP_000170.1, residues 1226-1246): AIANAVVKEL[Ala1236Pro]ETIKCRTLFS